The following is an entry in ClinVar:

NM_018838.5(NDUFA12):c.325A>T (p.Ile109Phe)

Gene: NDUFA12 (NADH:ubiquinone oxidoreductase subunit A12; minus strand). Cytogenetic location: 12q22.
Variant type: single nucleotide variant.
Coding change: c.325A>T on transcript NM_018838.5 (MANE Select); coding-DNA position 325, A replaced by T.
Protein change: p.Ile109Phe; replaces isoleucine 109 with phenylalanine.
Molecular consequence: missense variant. On other transcripts: 3 prime UTR variant (1).
Genome position (GRCh38, 1-based): chr12:94,971,553, T>A on the plus strand (A>T on the coding strand, the complement: NDUFA12 is on the minus strand). VCF-style: chr12-94971553-T-A. GRCh37 (hg19) VCF-style: chr12-95365329-T-A.
Other names: c.*45A>T (NM_001258338.2); short protein forms I109F.
Identifiers: ClinVar variation 1931710 (VCV001931710.6), dbSNP rs775646505, ClinGen allele CA6722512.

ClinVar aggregate classification (germline): Uncertain significance. Review status: criteria provided, multiple submitters, no conflicts (2 of 4 stars). 2 submissions from 2 submitters: Uncertain significance (2). Last evaluated 2024-01-08.

Conditions:
Inborn genetic diseases. Identifiers: MedGen C0950123, MeSH D030342.

Allele frequency attached by ClinVar (database versions not stated): ExAC 0.00001; gnomAD 0.00001; gnomAD exomes 0.00001; TOPMed 0.00001.
gnomAD v4.1: 7 of 1,614,088 alleles (0.00043%); highest among the groups gnomAD compares: Admixed American, 0.012%; no homozygotes.

Submissions (2):

Labcorp Genetics (formerly Invitae), Labcorp
Classification: Uncertain significance. Last evaluated: 2024-01-08. Review status: criteria provided, single submitter. Criteria: Invitae Variant Classification Sherloc (09022015). Collection method: clinical testing. Allele origin: germline.
Comment: This sequence change replaces isoleucine, which is neutral and non-polar, with phenylalanine, which is neutral and non-polar, at codon 109 of the NDUFA12 protein (p.Ile109Phe). This variant is present in population databases (rs775646505, gnomAD 0.02%). This variant has not been reported in the literature in individuals affected with NDUFA12-related conditions. ClinVar contains an entry for this variant (Variation ID: 1931710). An algorithm developed to predict the effect of missense changes on protein structure and function (PolyPhen-2) suggests that this variant is likely to be disruptive. In summary, the available evidence is currently insufficient to determine the role of this variant in disease. Therefore, it has been classified as a Variant of Uncertain Significance.

Ambry Genetics
Classification: Uncertain significance for Inborn genetic diseases. Last evaluated: 2022-09-28. Review status: criteria provided, single submitter. Criteria: Ambry Variant Classification Scheme 2023. Collection method: clinical testing. Allele origin: germline.